The following is an entry in ClinVar:

NM_021870.3(FGG):c.734C>T (p.Ser245Phe)

Gene: FGG (fibrinogen gamma chain; minus strand). Cytogenetic location: 4q32.1.
Variant type: single nucleotide variant.
Coding change: c.734C>T on transcript NM_021870.3 (MANE Select); coding-DNA position 734, C replaced by T.
Protein change: p.Ser245Phe; replaces serine 245 with phenylalanine.
Molecular consequence: missense variant.
Genome position (GRCh38, 1-based): chr4:154,608,583, G>A on the plus strand (C>T on the coding strand, the complement: FGG is on the minus strand). VCF-style: chr4-154608583-G-A. GRCh37 (hg19) VCF-style: chr4-155529735-G-A.
Other names: c.734C>T, p.Ser245Phe (NM_000509.6); short protein forms S245F.
Identifiers: ClinVar variation 4743334 (VCV004743334.1).

ClinVar aggregate classification (germline): Uncertain significance (1 of 4 stars; one submission).

gnomAD v4.1: 128 of 1,613,654 alleles (0.0079%); highest among the groups gnomAD compares: African/African-American, 0.15%; no homozygotes.

Submission:

Labcorp Genetics (formerly Invitae), Labcorp
Classification: Uncertain significance. Last evaluated: 2025-12-17. Review status: criteria provided, single submitter. Criteria: Invitae Variant Classification Sherloc (09022015). Collection method: clinical testing. Allele origin: germline.
Comment: This sequence change replaces serine, which is neutral and polar, with phenylalanine, which is neutral and non-polar, at codon 245 of the FGG protein (p.Ser245Phe). This variant is present in population databases (rs145051028, gnomAD 0.1%). This variant has not been reported in the literature in individuals affected with FGG-related conditions. Invitae Evidence Modeling of protein sequence and biophysical properties (such as structural, functional, and spatial information, amino acid conservation, physicochemical variation, residue mobility, and thermodynamic stability) indicates that this missense variant is expected to disrupt FGG protein function with a positive predictive value of 80%. In summary, the available evidence is currently insufficient to determine the role of this variant in disease. Therefore, it has been classified as a Variant of Uncertain Significance.